The following is an entry in ClinVar:

NM_001377.3(DYNC2H1):c.6559G>A (p.Glu2187Lys)

Gene: DYNC2H1 (dynein cytoplasmic 2 heavy chain 1; plus strand). Cytogenetic location: 11q22.3.
Variant type: single nucleotide variant.
Coding change: c.6559G>A on transcript NM_001377.3 (MANE Select); coding-DNA position 6559, G replaced by A.
Protein change: p.Glu2187Lys; replaces glutamic acid 2187 with lysine.
Molecular consequence: missense variant.
Genome position (GRCh38, 1-based): chr11:103,184,977, G>A. VCF-style: chr11-103184977-G-A. GRCh37 (hg19) VCF-style: chr11-103055706-G-A.
Other names: c.6559G>A, p.Glu2187Lys (NM_001080463.2); short protein forms E2187K.
Identifiers: ClinVar variation 2105252 (VCV002105252.3), dbSNP rs774001385, ClinGen allele CA6254004.
Genomic context (GRCh38, chr11:103,184,977, plus strand): 5'-AGTTTGGTTGGGACTGTGATGAATGGTTTGTCACATCTACATGGTTGCAGAGATCATGAC[G>A]AATTCATTATTAATCTCATAAGGGGACTTGGTGGAAATCTGAATATGAAGTCACGTTTGG-3'
Protein context (NP_001368.2, residues 2177-2197): SHLHGCRDHD[Glu2187Lys]FIINLIRGLG

ClinVar aggregate classification (germline): Uncertain significance. Review status: criteria provided, multiple submitters, no conflicts (2 of 4 stars). 3 submissions from 3 submitters: Uncertain significance (3). Last evaluated 2022-07-10.

Conditions:
Jeune thoracic dystrophy. Also called: Short-rib thoracic dysplasia; Jeune syndrome; Infantile thoracic dystrophy; Thoracic pelvic phalangeal dystrophy; Jeune's syndrome; Chondroectodermal dysplasia-like syndrome. Identifiers: Orphanet 474, MedGen C0265275, MONDO:0018770.
Asphyxiating thoracic dystrophy 3. Also called: Short rib polydactyly syndrome 2B; SHORT-RIB THORACIC DYSPLASIA 3 WITH OR WITHOUT POLYDACTYLY; POLYDACTYLY WITH NEONATAL CHONDRODYSTROPHY, TYPE I; SHORT-RIB THORACIC DYSPLASIA 3/6 WITH POLYDACTYLY, DIGENIC; Saldino-Noonan Syndrome. Identifiers: Orphanet 474, Orphanet 93269, Orphanet 93270, Orphanet 93271, MedGen C0036069, MONDO:0013127, OMIM 613091.

Allele frequency attached by ClinVar (database versions not stated): TOPMed below 0.00001; ExAC 0.00001; gnomAD 0.00001; gnomAD exomes 0.00001.

Submissions (3):

Blueprint Genetics
Classification: Uncertain significance. Last evaluated: 2022-07-10. Review status: criteria provided, single submitter. Criteria: ACMG Guidelines, 2015. Collection method: clinical testing. Allele origin: germline.

Labcorp Genetics (formerly Invitae), Labcorp
Classification: Uncertain significance for Jeune thoracic dystrophy. Last evaluated: 2022-05-04. Review status: criteria provided, single submitter. Criteria: Invitae Variant Classification Sherloc (09022015). Collection method: clinical testing. Allele origin: germline.
Comment: This sequence change replaces glutamic acid, which is acidic and polar, with lysine, which is basic and polar, at codon 2187 of the DYNC2H1 protein (p.Glu2187Lys). This variant is present in population databases (rs774001385, gnomAD 0.0009%). This variant has not been reported in the literature in individuals affected with DYNC2H1-related conditions. Advanced modeling of protein sequence and biophysical properties (such as structural, functional, and spatial information, amino acid conservation, physicochemical variation, residue mobility, and thermodynamic stability) performed at Invitae indicates that this missense variant is not expected to disrupt DYNC2H1 protein function. In summary, the available evidence is currently insufficient to determine the role of this variant in disease. Therefore, it has been classified as a Variant of Uncertain Significance.

Neuberg Centre For Genomic Medicine, NCGM
Classification: Uncertain significance for Asphyxiating thoracic dystrophy 3. Review status: criteria provided, single submitter. Criteria: ACMG Guidelines, 2015. Collection method: clinical testing. Allele origin: germline. Inheritance: Autosomal recessive inheritance. Affected: yes.